The following is an entry in ClinVar:

NC_000003.11:g.(?_93692478)_(93699346_?)dup

Genes: PROS1 (protein S; minus strand), ARL13B (ARF like GTPase 13B; plus strand). Cytogenetic location: 3q11.1.
Variant type: Duplication.
Identifiers: ClinVar variation 2427599 (VCV002427599.1).

ClinVar aggregate classification (germline): Uncertain significance (1 of 4 stars; one submission).

Conditions:
Joubert syndrome 8 (JBTS8). Identifiers: Orphanet 475, MedGen C2676771, MONDO:0012855, OMIM 612291.

Submission:

Labcorp Genetics (formerly Invitae), Labcorp
Classification: Uncertain significance for Joubert syndrome 8. Last evaluated: 2022-04-24. Review status: criteria provided, single submitter. Criteria: Invitae Variant Classification Sherloc (09022015). Collection method: clinical testing. Allele origin: germline.
Comment: This variant results in a copy number gain of the genomic region encompassing exon(s) 1 of the ARL13B gene. This region includes the initiator codon of the gene. This copy number gain extends beyond the assayed region for this gene and therefore may encompass additional genes. As the precise location of this event is unknown, it may be in tandem or it may be located elsewhere in the genome. This variant has not been reported in the literature in individuals affected with ARL13B-related conditions. Experimental studies and prediction algorithms are not available or were not evaluated, and the functional significance of this variant is currently unknown. In summary, the available evidence is currently insufficient to determine the role of this variant in disease. Therefore, it has been classified as a Variant of Uncertain Significance.